The following is an entry in ClinVar:

ClinVar aggregate classification (germline): Uncertain significance (1 of 4 stars; one submission).

Submission:

GeneDx
Classification: Uncertain significance. Last evaluated: 2024-08-02. Review status: criteria provided, single submitter. Criteria: GeneDx Variant Classification Process June 2021. Collection method: clinical testing. Allele origin: germline. Affected: yes.
Comment: Not observed at significant frequency in large population cohorts (gnomAD); In silico analysis supports a deleterious effect on splicing; Has not been previously published as pathogenic or benign to our knowledge

NM_015030.2(FRYL):c.1640+3A>G

Gene: FRYL (FRY like transcription coactivator; minus strand). Cytogenetic location: 4p11.
Variant type: single nucleotide variant.
Coding change: c.1640+3A>G on transcript NM_015030.2 (MANE Select); 3 bases into the intron after coding-DNA position 1640, A replaced by G.
Molecular consequence: intron variant.
Genome position (GRCh38, 1-based): chr4:48,589,742, T>C on the plus strand (A>G on the coding strand, the complement: FRYL is on the minus strand). VCF-style: chr4-48589742-T-C. GRCh37 (hg19) VCF-style: chr4-48591759-T-C.
Identifiers: ClinVar variation 3602144 (VCV003602144.1).
Genomic context (GRCh38, chr4:48,589,742, plus strand): 5'-GAACCATCCACACTGTCTTAGGAAAACTGAAATAGCAATGAAGGCACATAATTTACTACA[T>C]ACGTAATCATGTCTTCAGGCTCCTTATTAGACATCTGCACACTGGTCATACACATTGGTC-3'